The following is an entry in ClinVar:

NM_000287.4(PEX6):c.2108C>T (p.Ser703Phe)

Gene: PEX6 (peroxisomal biogenesis factor 6; minus strand). Cytogenetic location: 6p21.1.
Variant type: single nucleotide variant.
Coding change: c.2108C>T on transcript NM_000287.4 (MANE Select); coding-DNA position 2108, C replaced by T.
Protein change: p.Ser703Phe; replaces serine 703 with phenylalanine.
Molecular consequence: missense variant.
Genome position (GRCh38, 1-based): chr6:42,966,434, G>A on the plus strand (C>T on the coding strand, the complement: PEX6 is on the minus strand). VCF-style: chr6-42966434-G-A. GRCh37 (hg19) VCF-style: chr6-42934172-G-A.
Other names: c.1844C>T, p.Ser615Phe (NM_001316313.2); short protein forms S615F, S703F.
Identifiers: ClinVar variation 970936 (VCV000970936.5), dbSNP rs1390565278, ClinGen allele CA364152490.

ClinVar aggregate classification (germline): Uncertain significance. Review status: criteria provided, single submitter (1 of 4 stars). 2 submissions from 2 submitters: Uncertain significance (1). 1 of the submissions does not count toward it. Last evaluated 2024-09-23.

Conditions:
Zellweger spectrum disorders (ZS). Also called: Zellweger syndrome; Zellweger Spectrum Disorder (ZSD); Zellweger Spectrum Disorder; Zellweger Spectrum. Identifiers: Orphanet 912, MedGen C0043459, MONDO:0019609.
Peroxisome biogenesis disorder. Identifiers: Orphanet 79189, MedGen C1832200, MONDO:0019234. Disease mechanism: loss of function.

Allele frequency attached by ClinVar (database versions not stated): TOPMed below 0.00001; gnomAD exomes 0.00001 and 0.00003.
gnomAD v4.1: 47 of 1,614,034 alleles (0.0029%); highest among the groups gnomAD compares: Middle Eastern, 0.033%; no homozygotes.

Submissions (2):

Labcorp Genetics (formerly Invitae), Labcorp
Classification: Uncertain significance for Peroxisome biogenesis disorder. Last evaluated: 2024-09-23. Review status: criteria provided, single submitter. Criteria: Invitae Variant Classification Sherloc (09022015). Collection method: clinical testing. Allele origin: germline.
Comment: This sequence change replaces serine, which is neutral and polar, with phenylalanine, which is neutral and non-polar, at codon 703 of the PEX6 protein (p.Ser703Phe). This variant is present in population databases (no rsID available, gnomAD 0.0009%). This variant has not been reported in the literature in individuals affected with PEX6-related conditions. ClinVar contains an entry for this variant (Variation ID: 970936). Invitae Evidence Modeling of protein sequence and biophysical properties (such as structural, functional, and spatial information, amino acid conservation, physicochemical variation, residue mobility, and thermodynamic stability) indicates that this missense variant is not expected to disrupt PEX6 protein function with a negative predictive value of 95%. In summary, the available evidence is currently insufficient to determine the role of this variant in disease. Therefore, it has been classified as a Variant of Uncertain Significance.

Natera, Inc.
Classification: Uncertain significance for Zellweger syndrome. Last evaluated: 2020-07-12. Review status: no assertion criteria provided. Collection method: clinical testing. Allele origin: germline. Not counted in ClinVar's aggregate classification.